The following is an entry in ClinVar:

NM_001363118.2(SLC52A2):c.602C>A (p.Thr201Asn)

Gene: SLC52A2 (solute carrier family 52 member 2; plus strand). Cytogenetic location: 8q24.3.
Variant type: single nucleotide variant.
Coding change: c.602C>A on transcript NM_001363118.2 (MANE Select); coding-DNA position 602, C replaced by A.
Protein change: p.Thr201Asn; replaces threonine 201 with asparagine.
Molecular consequence: missense variant. On other transcripts: non-coding transcript variant (1), intron variant (1).
Genome position (GRCh38, 1-based): chr8:144,360,094, C>A. VCF-style: chr8-144360094-C-A. GRCh37 (hg19) VCF-style: chr8-145583754-C-A.
Other names: c.602C>A, p.Thr201Asn (NM_001253815.2, NM_001253816.2, NM_001363120.2 and 2 more transcripts); c.131-21C>A (NM_001363122.2); c.602C>A (NM_024531.3); short protein forms T201N.
Identifiers: ClinVar variation 659402 (VCV000659402.6), dbSNP rs552024614, ClinGen allele CA4938237.

ClinVar aggregate classification (germline): Uncertain significance. Review status: criteria provided, multiple submitters, no conflicts (2 of 4 stars). 2 submissions from 2 submitters: Uncertain significance (2). Last evaluated 2025-08-28.

Conditions:
Brown-Vialetto-van Laere syndrome 2. Also called: SPINOCEREBELLAR ATAXIA WITH BLINDNESS AND DEAFNESS 2; Riboflavin transporter deficiency type 2. Identifiers: Orphanet 572543, Orphanet 97229, MedGen C3553538, MONDO:0013867, OMIM 614707.
Inborn genetic diseases. Identifiers: MedGen C0950123, MeSH D030342.

Allele frequency attached by ClinVar (database versions not stated): gnomAD exomes 0.00003 and 0.00002; 1000 Genomes Project 0.00060; ExAC 0.00002; gnomAD 0.00002; 1000 Genomes Project 30x 0.00047; TOPMed 0.00001.

Submissions (2):

Ambry Genetics
Classification: Uncertain significance for Inborn genetic diseases. Last evaluated: 2025-08-28. Review status: criteria provided, single submitter. Criteria: Ambry Variant Classification Scheme 2023. Collection method: clinical testing. Allele origin: germline.

Labcorp Genetics (formerly Invitae), Labcorp
Classification: Uncertain significance for Brown-Vialetto-van Laere syndrome 2. Last evaluated: 2021-12-24. Review status: criteria provided, single submitter. Criteria: Invitae Variant Classification Sherloc (09022015). Collection method: clinical testing. Allele origin: germline.
Comment: This sequence change replaces threonine, which is neutral and polar, with asparagine, which is neutral and polar, at codon 201 of the SLC52A2 protein (p.Thr201Asn). This variant is present in population databases (rs552024614, gnomAD 0.02%). This variant has not been reported in the literature in individuals affected with SLC52A2-related conditions. ClinVar contains an entry for this variant (Variation ID: 659402). Advanced modeling of protein sequence and biophysical properties (such as structural, functional, and spatial information, amino acid conservation, physicochemical variation, residue mobility, and thermodynamic stability) performed at Invitae indicates that this missense variant is not expected to disrupt SLC52A2 protein function. In summary, the available evidence is currently insufficient to determine the role of this variant in disease. Therefore, it has been classified as a Variant of Uncertain Significance.